The following is an entry in ClinVar:

ClinVar aggregate classification (germline): Uncertain significance (1 of 4 stars; one submission).

Submission:

Labcorp Genetics (formerly Invitae), Labcorp
Classification: Uncertain significance. Last evaluated: 2024-10-24. Review status: criteria provided, single submitter. Criteria: Invitae Variant Classification Sherloc (09022015). Collection method: clinical testing. Allele origin: germline.
Comment: This sequence change replaces aspartic acid, which is acidic and polar, with histidine, which is basic and polar, at codon 1192 of the TOP2B protein (p.Asp1192His). This variant is not present in population databases (gnomAD no frequency). This variant has not been reported in the literature in individuals affected with TOP2B-related conditions. ClinVar contains an entry for this variant (Variation ID: 1004377). An algorithm developed to predict the effect of missense changes on protein structure and function (PolyPhen-2) suggests that this variant is likely to be disruptive. In summary, the available evidence is currently insufficient to determine the role of this variant in disease. Therefore, it has been classified as a Variant of Uncertain Significance.

NM_001330700.2(TOP2B):c.3589G>C (p.Asp1197His)

Gene: TOP2B (DNA topoisomerase II beta; minus strand). Cytogenetic location: 3p24.2.
Variant type: single nucleotide variant.
Coding change: c.3589G>C on transcript NM_001330700.2 (MANE Select); coding-DNA position 3589, G replaced by C.
Protein change: p.Asp1197His; replaces aspartic acid 1197 with histidine.
Molecular consequence: missense variant.
Genome position (GRCh38, 1-based): chr3:25,615,207, C>G on the plus strand (G>C on the coding strand, the complement: TOP2B is on the minus strand). VCF-style: chr3-25615207-C-G. GRCh37 (hg19) VCF-style: chr3-25656698-C-G.
Other names: c.3574G>C, p.Asp1192His (NM_001068.3); short protein forms D1192H, D1197H.
Identifiers: ClinVar variation 1004377 (VCV001004377.5), dbSNP rs1702473280, ClinGen allele CA351895452.
Genomic context (GRCh38, chr3:25,615,207, plus strand): 5'-TCATTCTTGTTCATAAACATGACTTTTCCAAATAAATTTTAATAGAGACTTAACCTACAT[C>G]CAGTTCTTCAACAAATGCCGCTAAATCCTCTTTCCAAAGATCTGAAGGAGATTTTCTTTT-3'
Protein context (NP_001317629.1, residues 1187-1207): EDLAAFVEEL[Asp1197His]KVESQEREDV